The following is an entry in ClinVar:

NM_001953.5(TYMP):c.1076C>T (p.Ala359Val)

Genes: SCO2 (synthesis of cytochrome C oxidase 2; minus strand), TYMP (thymidine phosphorylase; minus strand), LOC130067862 (ATAC-STARR-seq lymphoblastoid silent region 13986; plus strand). Cytogenetic location: 22q13.33.
Variant type: single nucleotide variant.
Coding change: c.1076C>T on transcript NM_001953.5 (MANE Select); coding-DNA position 1076, C replaced by T.
Protein change: p.Ala359Val; replaces alanine 359 with valine.
Molecular consequence: missense variant. On other transcripts: 5 prime UTR variant (1).
Genome position (GRCh38, 1-based): chr22:50,526,329, G>A on the plus strand (C>T on the coding strand, the complement: TYMP is on the minus strand). VCF-style: chr22-50526329-G-A. GRCh37 (hg19) VCF-style: chr22-50964758-G-A.
Other names: c.1076C>T, p.Ala359Val (NM_001113755.3, NM_001113756.3, NM_001257988.1 and 1 more transcripts); c.-97C>T (NM_001169109.2); short protein forms A359V.
Identifiers: ClinVar variation 2075721 (VCV002075721.1), dbSNP rs774416437, ClinGen allele CA10321493.
Genomic context (GRCh38, chr22:50,526,329, plus strand): 5'-TCCTGCTCCCGGGCGCGAGGCAGCAGCTGCCGGCGTTCTGCGGGACTTCCCGAGCACAGG[G>A]CTCGGGCCAGACCGGGATCCACGCCCTGCGCCGCCAGCATCCGCTCGAAGCGGCCAAGGG-3'
Protein context (NP_001944.1, residues 349-369): AQGVDPGLAR[Ala359Val]LCSGSPAERR

ClinVar aggregate classification (germline): Uncertain significance (1 of 4 stars; one submission).

Allele frequency attached by ClinVar (database versions not stated): ExAC 0.00010; gnomAD 0.00001; TOPMed 0.00001.

Submission:

Labcorp Genetics (formerly Invitae), Labcorp
Classification: Uncertain significance. Last evaluated: 2022-08-17. Review status: criteria provided, single submitter. Criteria: Invitae Variant Classification Sherloc (09022015). Collection method: clinical testing. Allele origin: germline.
Comment: This sequence change replaces alanine, which is neutral and non-polar, with valine, which is neutral and non-polar, at codon 359 of the TYMP protein (p.Ala359Val). The frequency data for this variant in the population databases is considered unreliable, as metrics indicate poor data quality at this position in the gnomAD database. This variant has not been reported in the literature in individuals affected with TYMP-related conditions. Advanced modeling of protein sequence and biophysical properties (such as structural, functional, and spatial information, amino acid conservation, physicochemical variation, residue mobility, and thermodynamic stability) performed at Invitae indicates that this missense variant is not expected to disrupt TYMP protein function. In summary, the available evidence is currently insufficient to determine the role of this variant in disease. Therefore, it has been classified as a Variant of Uncertain Significance.